The following is an entry in ClinVar:

ClinVar aggregate classification (germline): Likely benign (1 of 4 stars; one submission).

Submission:

CeGaT Center for Human Genetics Tuebingen
Classification: Likely benign. Last evaluated: 2023-03-01. Review status: criteria provided, single submitter. Criteria: CeGaT Center For Human Genetics Tuebingen Variant Classification Criteria Version 2. Collection method: clinical testing. Allele origin: germline. Affected: yes. Observed: 1 variant allele.
Comment: DOCK6: PM2:Supporting, BP4, BP7

NM_020812.4(DOCK6):c.1011C>T (p.Phe337=)

Gene: DOCK6 (dedicator of cytokinesis 6; minus strand). Cytogenetic location: 19p13.2.
Variant type: single nucleotide variant.
Coding change: c.1011C>T on transcript NM_020812.4 (MANE Select); coding-DNA position 1011, C replaced by T.
Protein change: p.Phe337=; no amino-acid change (phenylalanine 337 retained).
Molecular consequence: synonymous variant.
Genome position (GRCh38, 1-based): chr19:11,245,575, G>A on the plus strand (C>T on the coding strand, the complement: DOCK6 is on the minus strand). VCF-style: chr19-11245575-G-A. GRCh37 (hg19) VCF-style: chr19-11356251-G-A.
Other names: c.1011C>T, p.Phe337= (NM_001367830.1).
Identifiers: ClinVar variation 2649323 (VCV002649323.24), dbSNP rs1599275137, ClinGen allele CA505499411.